The following is an entry in ClinVar:

ClinVar aggregate classification (germline): Pathogenic. Review status: criteria provided, multiple submitters, no conflicts (2 of 4 stars). 5 submissions from 5 submitters: Pathogenic (5). Last evaluated 2025-09-09.

Conditions:
Recessive dystrophic epidermolysis bullosa (RDEB). Also called: Hallopeau-Siemens Disease; EPIDERMOLYSIS BULLOSA DYSTROPHICA, GENERALIZED SEVERE, AUTOSOMAL RECESSIVE; Epidermolysis Bullosa Distrophica Autosomal Recessive (RDEB); epidermolysis bullosa dystrophica, autosomal recessive; Recessive DEB (RDEB); DYSTROPHIC EPIDERMOLYSIS BULLOSA, AUTOSOMAL RECESSIVE. Identifiers: Orphanet 79408, Orphanet 79409, MedGen C0079474, MONDO:0009179, OMIM 226600.
Epidermolysis bullosa. Identifiers: MedGen C0014527, MeSH D004820, MONDO:0006541.
Epidermolysis bullosa dystrophica. Also called: Dystrophic epidermolysis bullosa, Hallopeau-Siemens type (formerly); Dystrophic epidermolysis bullosa. Identifiers: Orphanet 303, MedGen C0079294, MONDO:0006543.

Submissions (5):

Myriad Genetics, Inc.
Classification: Pathogenic for Recessive dystrophic epidermolysis bullosa. Last evaluated: 2025-09-09. Review status: criteria provided, single submitter. Criteria: Myriad Autosomal Dominant, Autosomal Recessive and X-Linked Classification Criteria (2023). Collection method: clinical testing. Allele origin: unknown.
Comment: NM_000094.3(COL7A1):c.4767delA(D1590Tfs*120) is expected to be pathogenic in the context of dystrophic epidermolysis bullosa. This variant is predicted to lead to an abnormal or absent protein product due to the creation of a premature termination codon in COL7A1, a gene where loss-of-function variants are known to be pathogenic. Please note: this variant was assessed in the context of healthy population screening.

Natera, Inc.
Classification: Pathogenic for Dystrophic epidermolysis bullosa. Last evaluated: 2024-06-03. Review status: criteria provided, single submitter. Criteria: Natera Variant Classification Schema (03/2026). Collection method: clinical testing. Allele origin: germline.
Comment: The c.4767del variant in COL7A1 is a frameshift variant predicted to shift the reading frame beginning at codon 1590 and leads to a stop codon 120 codons downstream. This variant is expected to result in nonsense mediated decay, truncation, or a dysfunctional protein product. This variant is rare in the general population with a frequency below the threshold expected for the associated phenotype(s). This variant has been observed in one or more individuals affected with the associated recessive disease, as either homozygous or compound heterozygous with a second variant (PMID: 19665875). Given the available evidence, this variant is classified as Pathogenic.

GeneDx
Classification: Pathogenic. Last evaluated: 2022-05-24. Review status: criteria provided, single submitter. Criteria: GeneDx Variant Classification Process June 2021. Collection method: clinical testing. Allele origin: germline. Affected: yes.
Comment: Frameshift variant predicted to result in protein truncation or nonsense mediated decay in a gene for which loss of function is a known mechanism of disease; Not observed at significant frequency in large population cohorts (gnomAD); This variant is associated with the following publications: (PMID: 10504458, 19814614, 19665875)

Labcorp Genetics (formerly Invitae), Labcorp
Classification: Pathogenic. Last evaluated: 2022-04-28. Review status: criteria provided, single submitter. Criteria: Invitae Variant Classification Sherloc (09022015). Collection method: clinical testing. Allele origin: germline.
Comment: For these reasons, this variant has been classified as Pathogenic. ClinVar contains an entry for this variant (Variation ID: 372335). This premature translational stop signal has been observed in individual(s) with Hallopeau-Siemens recessive dystrophic epidermolysis bullosa (PMID: 10504458). This variant is not present in population databases (gnomAD no frequency). This sequence change creates a premature translational stop signal (p.Asp1590Thrfs*120) in the COL7A1 gene. It is expected to result in an absent or disrupted protein product. Loss-of-function variants in COL7A1 are known to be pathogenic (PMID: 16971478).

Breakthrough Genomics
Classification: Pathogenic for Epidermolysis bullosa. Last evaluated: 2021-03-30. Review status: criteria provided, single submitter. Criteria: ACMG Guidelines, 2015. Collection method: clinical testing. Allele origin: germline. Affected: yes.
Comment: This variant is predicted to cause a frameshift and consequent premature termination of the protein and the resultant protein will likely to lack BPTI/Kunitz inhibitor domain, nonhelical region and cell attachment motif of the protein[Uniprot]; this will likely result in loss-of-function. Due to the introduction of a premature stop codon, this aberrant transcript will likely be targeted by the nonsense-mediated mRNA decay (NMD) mechanism [PMID: 15040442]. The identified variant was previously (represented as 4767delA) reported in recessive dystrophic epidermolysis bullosa (RDEB) patients and was classified as pathogenic [PMID: 10504458,18558993].

Literature cited by the submitters: PubMed 19665875 (cited by Natera, Inc.); PubMed 10504458 (cited by Labcorp Genetics (formerly Invitae), Labcorp); PubMed 16971478 (cited by Labcorp Genetics (formerly Invitae), Labcorp).

NM_000094.4(COL7A1):c.4767del (p.Asp1590fs)

Gene: COL7A1 (collagen type VII alpha 1 chain; minus strand). Cytogenetic location: 3p21.31.
Variant type: Deletion.
Coding change: c.4767del on transcript NM_000094.4 (MANE Select); coding-DNA position 4767, one base deleted (A; older notation c.4767delA).
Protein change: p.Asp1590fs; shifts the reading frame from aspartic acid 1590.
Molecular consequence: frameshift variant.
Genome position (GRCh38, 1-based): chr3:48,581,588, T deleted on the plus strand (A on the coding strand, the reverse complement: COL7A1 is on the minus strand). VCF-style (leftmost placement, unchanged base first): chr3-48581587-CT-C. GRCh37 (hg19) VCF-style: chr3-48619020-CT-C.
Other names: p.Asp1590ThrfsTer120; c.4767delA (NM_000094.3); short protein forms D1590fs.
Identifiers: ClinVar variation 372335 (VCV000372335.12), dbSNP rs1057517721, ClinGen allele CA16042535.